The following is an entry in ClinVar:

NM_002661.5(PLCG2):c.2935C>T (p.Gln979Ter)

Gene: PLCG2 (phospholipase C gamma 2; plus strand). Cytogenetic location: 16q23.3.
Variant type: single nucleotide variant.
Coding change: c.2935C>T on transcript NM_002661.5 (MANE Select); coding-DNA position 2935, C replaced by T.
Protein change: p.Gln979Ter; replaces glutamine 979 with a stop codon.
Molecular consequence: nonsense.
Genome position (GRCh38, 1-based): chr16:81,936,261, C>T. VCF-style: chr16-81936261-C-T. GRCh37 (hg19) VCF-style: chr16-81969866-C-T.
Other names: c.2935C>T, p.Gln979Ter (NM_001425749.1, NM_001425750.1, NM_001425751.1); short protein forms Q979*.
Identifiers: ClinVar variation 2889818 (VCV002889818.3), dbSNP rs1001549363, ClinGen allele CA396905869.

ClinVar aggregate classification (germline): Uncertain significance (1 of 4 stars; one submission).

Conditions:
Familial cold autoinflammatory syndrome 3 (FCAS3). Also called: FAMILIAL ATYPICAL COLD URTICARIA; ANTIBODY DEFICIENCY AND IMMUNE DYSREGULATION, PLCG2-ASSOCIATED. Identifiers: Orphanet 300359, MedGen C3280914, MONDO:0013766, OMIM 614468.

Allele frequency attached by ClinVar (database versions not stated): gnomAD exomes below 0.00001.
gnomAD v4.1: 1 of 1,614,148 alleles (0.000062%); no homozygotes.

Submission:

Labcorp Genetics (formerly Invitae), Labcorp
Classification: Uncertain significance for Familial cold autoinflammatory syndrome 3. Last evaluated: 2023-05-21. Review status: criteria provided, single submitter. Criteria: Invitae Variant Classification Sherloc (09022015). Collection method: clinical testing. Allele origin: germline.
Comment: This variant has not been reported in the literature in individuals affected with PLCG2-related conditions. This variant is present in population databases (no rsID available, gnomAD 0.01%). This sequence change creates a premature translational stop signal (p.Gln979*) in the PLCG2 gene. It is expected to result in an absent or disrupted protein product. However, the current clinical and genetic evidence is not sufficient to establish whether loss-of-function variants in PLCG2 cause disease. In summary, the available evidence is currently insufficient to determine the role of this variant in disease. Therefore, it has been classified as a Variant of Uncertain Significance.